The following is an entry in ClinVar:

ClinVar aggregate classification (germline): Uncertain significance (1 of 4 stars; one submission).

Submission:

GeneDx
Classification: Uncertain significance. Last evaluated: 2024-09-23. Review status: criteria provided, single submitter. Criteria: GeneDx Variant Classification Process June 2021. Collection method: clinical testing. Allele origin: germline. Affected: yes.
Comment: Not observed at significant frequency in large population cohorts (gnomAD); In silico analysis indicates that this missense variant does not alter protein structure/function; Has not been previously published as pathogenic or benign to our knowledge.

NM_006922.4(SCN3A):c.3791T>A (p.Phe1264Tyr)

Gene: SCN3A (sodium voltage-gated channel alpha subunit 3; minus strand). Cytogenetic location: 2q24.3.
Variant type: single nucleotide variant.
Coding change: c.3791T>A on transcript NM_006922.4 (MANE Select); coding-DNA position 3791, T replaced by A.
Protein change: p.Phe1264Tyr; replaces phenylalanine 1264 with tyrosine.
Molecular consequence: missense variant.
Genome position (GRCh38, 1-based): chr2:165,112,937, A>T on the plus strand (T>A on the coding strand, the complement: SCN3A is on the minus strand). VCF-style: chr2-165112937-A-T. GRCh37 (hg19) VCF-style: chr2-165969447-A-T.
Other names: c.3644T>A, p.Phe1215Tyr (NM_001081676.2, NM_001081677.2); short protein forms F1215Y, F1264Y.
Identifiers: ClinVar variation 3774308 (VCV003774308.1).